The following is an entry in ClinVar:

ClinVar aggregate classification (germline): Uncertain significance (1 of 4 stars; one submission).

Conditions:
Pheochromocytoma. Also called: MAX-Related Hereditary Paraganglioma-Pheochromocytoma Syndrome. Identifiers: Orphanet 29072, MedGen C0031511, MONDO:0008233, OMIM 171300, HP:0002666.
Paragangliomas with sensorineural hearing loss. Identifiers: MedGen C1868633.
Cowden syndrome 3 (CWS3). Identifiers: Orphanet 201, MedGen CN166604, MONDO:0014045.
Carney-Stratakis syndrome. Also called: PARAGANGLIOMA AND GASTROINTESTINAL STROMAL TUMOR. Identifiers: Orphanet 97286, MedGen C1847319, MONDO:0011740, OMIM 606864.

Submission:

Labcorp Genetics (formerly Invitae), Labcorp
Classification: Uncertain significance for Carney-Stratakis syndrome; Paragangliomas with sensorineural hearing loss; Pheochromocytoma; Cowden syndrome 3. Last evaluated: 2023-10-26. Review status: criteria provided, single submitter. Criteria: Invitae Variant Classification Sherloc (09022015). Collection method: clinical testing. Allele origin: germline.
Comment: This sequence change replaces leucine, which is neutral and non-polar, with phenylalanine, which is neutral and non-polar, at codon 80 of the SDHD protein (p.Leu80Phe). This variant is not present in population databases (gnomAD no frequency). This variant has not been reported in the literature in individuals affected with SDHD-related conditions. ClinVar contains an entry for this variant (Variation ID: 663609). Advanced modeling of protein sequence and biophysical properties (such as structural, functional, and spatial information, amino acid conservation, physicochemical variation, residue mobility, and thermodynamic stability) has been performed at Invitae for this missense variant, however the output from this modeling did not meet the statistical confidence thresholds required to predict the impact of this variant on SDHD protein function. This variant disrupts the p.Leu80 amino acid residue in SDHD. Other variant(s) that disrupt this residue have been determined to be pathogenic (PMID: 19454582, 23083876; Invitae). This suggests that this residue is clinically significant, and that variants that disrupt this residue are likely to be disease-causing. In summary, the available evidence is currently insufficient to determine the role of this variant in disease. Therefore, it has been classified as a Variant of Uncertain Significance.

Literature cited by the submitters: PubMed 19454582; PubMed 23083876.

NM_003002.4(SDHD):c.238C>T (p.Leu80Phe)

Gene: SDHD (succinate dehydrogenase complex subunit D; plus strand). Cytogenetic location: 11q23.1.
Variant type: single nucleotide variant.
Coding change: c.238C>T on transcript NM_003002.4 (MANE Select); coding-DNA position 238, C replaced by T.
Protein change: p.Leu80Phe; replaces leucine 80 with phenylalanine.
Molecular consequence: missense variant. On other transcripts: non-coding transcript variant (1), intron variant (1).
Genome position (GRCh38, 1-based): chr11:112,088,935, C>T. VCF-style: chr11-112088935-C-T. GRCh37 (hg19) VCF-style: chr11-111959659-C-T.
Other names: c.121C>T, p.Leu41Phe (NM_001276504.2); c.238C>T, p.Leu80Phe (NM_001276506.2); c.169+962C>T (NM_001276503.2); short protein forms L41F, L80F.
Identifiers: ClinVar variation 663609 (VCV000663609.6), dbSNP rs1592780488, ClinGen allele CA382617290.